The following is an entry in ClinVar:

NM_145262.4(GLYCTK):c.977dup (p.Tyr328fs)

Gene: GLYCTK (glycerate kinase; plus strand). Cytogenetic location: 3p21.2.
Variant type: Duplication.
Coding change: c.977dup on transcript NM_145262.4 (MANE Select); coding-DNA position 977, one base duplicated (T; older notation c.977dupT).
Protein change: p.Tyr328fs; shifts the reading frame from tyrosine 328.
Molecular consequence: frameshift variant. On other transcripts: 3 prime UTR variant (1), non-coding transcript variant (3).
Genome position (GRCh38, 1-based): chr3:52,292,531, T duplicated. VCF-style (leftmost placement, unchanged base first): chr3-52292530-C-CT. GRCh37 (hg19) VCF-style: chr3-52326546-C-CT.
Other names: c.*96dup (NM_001144951.2); short protein forms Y328fs.
Identifiers: ClinVar variation 2152558 (VCV002152558.4), dbSNP rs1409964814, ClinGen allele CA543056167.

ClinVar aggregate classification (germline): Uncertain significance (1 of 4 stars; one submission).

Allele frequency attached by ClinVar (database versions not stated): gnomAD exomes 0.00002; TOPMed 0.00002; gnomAD 0.00003.

Submission:

Labcorp Genetics (formerly Invitae), Labcorp
Classification: Uncertain significance. Last evaluated: 2025-06-15. Review status: criteria provided, single submitter. Criteria: Invitae Variant Classification Sherloc (09022015). Collection method: clinical testing. Allele origin: germline.
Comment: This sequence change creates a premature translational stop signal (p.Tyr328Leufs*13) in the GLYCTK gene. While this is not anticipated to result in nonsense mediated decay, it is expected to disrupt the last 196 amino acid(s) of the GLYCTK protein. This variant is present in population databases (no rsID available, gnomAD 0.0009%). This variant has not been reported in the literature in individuals affected with GLYCTK-related conditions. ClinVar contains an entry for this variant (Variation ID: 2152558). Experimental studies and prediction algorithms are not available or were not evaluated, and the functional significance of this variant is currently unknown. In summary, the available evidence is currently insufficient to determine the role of this variant in disease. Therefore, it has been classified as a Variant of Uncertain Significance.